The following is an entry in ClinVar:

NM_020778.5(ALPK3):c.35G>C (p.Gly12Ala)

Gene: ALPK3 (alpha kinase 3; plus strand). Cytogenetic location: 15q25.3.
Variant type: single nucleotide variant.
Coding change: c.35G>C on transcript NM_020778.5 (MANE Select); coding-DNA position 35, G replaced by C.
Protein change: p.Gly12Ala; replaces glycine 12 with alanine.
Molecular consequence: missense variant.
Genome position (GRCh38, 1-based): chr15:84,817,487, G>C. VCF-style: chr15-84817487-G-C. GRCh37 (hg19) VCF-style: chr15-85360718-G-C.
Other names: c.641G>C (NM_020778.4); short protein forms G12A.
Identifiers: ClinVar variation 2177595 (VCV002177595.5), dbSNP rs535416125, ClinGen allele CA273651132.

ClinVar aggregate classification (germline): Uncertain significance. Review status: criteria provided, multiple submitters, no conflicts (2 of 4 stars). 2 submissions from 2 submitters: Uncertain significance (2). Last evaluated 2025-02-05.

Conditions:
Cardiovascular phenotype. Identifiers: MedGen CN230736.

Allele frequency attached by ClinVar (database versions not stated): gnomAD exomes below 0.00001; gnomAD 0.00001; 1000 Genomes Project 30x 0.00016; 1000 Genomes Project 0.00020.
gnomAD v4.1: 3 of 1,435,736 alleles (0.00021%); highest among the groups gnomAD compares: South Asian, 0.0042%; no homozygotes.

Submissions (2):

Labcorp Genetics (formerly Invitae), Labcorp
Classification: Uncertain significance. Last evaluated: 2025-02-05. Review status: criteria provided, single submitter. Criteria: Invitae Variant Classification Sherloc (09022015). Collection method: clinical testing. Allele origin: germline.
Comment: This sequence change replaces glycine, which is neutral and non-polar, with alanine, which is neutral and non-polar, at codon 214 of the ALPK3 protein (p.Gly214Ala). This variant is not present in population databases (gnomAD no frequency). This variant has not been reported in the literature in individuals affected with ALPK3-related conditions. ClinVar contains an entry for this variant (Variation ID: 2177595). An algorithm developed to predict the effect of missense changes on protein structure and function (PolyPhen-2) suggests that this variant is likely to be disruptive. In summary, the available evidence is currently insufficient to determine the role of this variant in disease. Therefore, it has been classified as a Variant of Uncertain Significance.

Ambry Genetics
Classification: Uncertain significance for Cardiovascular phenotype. Last evaluated: 2024-03-17. Review status: criteria provided, single submitter. Criteria: Ambry Variant Classification Scheme 2023. Collection method: clinical testing. Allele origin: germline.
Comment: The p.G214A variant (also known as c.641G>C), located in coding exon 1 of the ALPK3 gene, results from a G to C substitution at nucleotide position 641. The glycine at codon 214 is replaced by alanine, an amino acid with similar properties. This amino acid position is conserved. In addition, this alteration is predicted to be tolerated by in silico analysis. Based on the available evidence, the clinical significance of this alteration remains unclear.